The following is an entry in ClinVar:

ClinVar aggregate classification (germline): Uncertain significance. Review status: criteria provided, multiple submitters, no conflicts (2 of 4 stars). 3 submissions from 3 submitters: Uncertain significance (3). Last evaluated 2025-01-23.

Conditions:
Hereditary cancer-predisposing syndrome. Also called: Neoplastic Syndromes, Hereditary; Hereditary neoplastic syndrome; Hereditary Cancer Syndrome; Tumor predisposition. Identifiers: Orphanet 140162, MedGen C0027672, MeSH D009386, MONDO:0015356.
DICER1-related tumor predisposition. Also called: DICER1-related pleuropulmonary blastoma cancer predisposition syndrome; DICER1 syndrome. Identifiers: Orphanet 284343, MedGen C3839822, MONDO:0100216.

Submissions (3):

Labcorp Genetics (formerly Invitae), Labcorp
Classification: Uncertain significance for DICER1-related tumor predisposition. Last evaluated: 2025-01-23. Review status: criteria provided, single submitter. Criteria: Invitae Variant Classification Sherloc (09022015). Collection method: clinical testing. Allele origin: germline.
Comment: This sequence change replaces isoleucine, which is neutral and non-polar, with threonine, which is neutral and polar, at codon 169 of the DICER1 protein (p.Ile169Thr). This variant is not present in population databases (gnomAD no frequency). This variant has not been reported in the literature in individuals affected with DICER1-related conditions. ClinVar contains an entry for this variant (Variation ID: 946234). Invitae Evidence Modeling of protein sequence and biophysical properties (such as structural, functional, and spatial information, amino acid conservation, physicochemical variation, residue mobility, and thermodynamic stability) indicates that this missense variant is not expected to disrupt DICER1 protein function with a negative predictive value of 95%. In summary, the available evidence is currently insufficient to determine the role of this variant in disease. Therefore, it has been classified as a Variant of Uncertain Significance.

ARUP Laboratories, Molecular Genetics and Genomics, ARUP Laboratories
Classification: Uncertain significance. Last evaluated: 2024-11-12. Review status: criteria provided, single submitter. Criteria: ARUP Molecular Germline Variant Investigation Process 2024. Collection method: clinical testing. Allele origin: germline.
Comment: The DICER1 c.506T>C; p.Ile169Thr variant (rs1893828996), to our knowledge, is not reported in the medical literature but is reported in ClinVar (Variation ID: 946234). This variant is absent from the Genome Aggregation Database (v2.1.1), indicating it is not a common polymorphism. Computational analyses are uncertain whether this variant is neutral or deleterious (REVEL: 0.533). Due to limited information, the clinical significance of this variant is uncertain at this time.

Ambry Genetics
Classification: Uncertain significance for Hereditary cancer-predisposing syndrome. Last evaluated: 2023-03-03. Review status: criteria provided, single submitter. Criteria: Ambry Variant Classification Scheme 2023. Collection method: clinical testing. Allele origin: germline.
Comment: The p.I169T variant (also known as c.506T>C), located in coding exon 4 of the DICER1 gene, results from a T to C substitution at nucleotide position 506. The isoleucine at codon 169 is replaced by threonine, an amino acid with similar properties. This amino acid position is highly conserved in available vertebrate species. In addition, this alteration is predicted to be deleterious by in silico analysis. Since supporting evidence is limited at this time, the clinical significance of this alteration remains unclear.

NM_177438.3(DICER1):c.506T>C (p.Ile169Thr)

Gene: DICER1 (dicer 1, ribonuclease III; minus strand). Cytogenetic location: 14q32.13.
Variant type: single nucleotide variant.
Coding change: c.506T>C on transcript NM_177438.3 (MANE Select); coding-DNA position 506, T replaced by C.
Protein change: p.Ile169Thr; replaces isoleucine 169 with threonine.
Molecular consequence: missense variant.
Genome position (GRCh38, 1-based): chr14:95,130,125, A>G on the plus strand (T>C on the coding strand, the complement: DICER1 is on the minus strand). VCF-style: chr14-95130125-A-G. GRCh37 (hg19) VCF-style: chr14-95596462-A-G.
Other names: c.506T>C, p.Ile169Thr (NM_001195573.1, NM_001271282.3, NM_001291628.2 and 1 more transcripts); short protein forms I169T.
Identifiers: ClinVar variation 946234 (VCV000946234.12), dbSNP rs1893828996, ClinGen allele CA390888472.
Genomic context (GRCh38, chr14:95,130,125, plus strand): 5'-ATTTCTCGATAGGGGTGGTCTAGGATTGCAAGATGACACTCATCAAACACCAAAAGGTTA[A>G]TGTCTGACAGTGATAAGTAACCATTTTTCAAAACATTCAAGGCGACATAGCAAGTCATAA-3'
Protein context (NP_803187.1, residues 159-179): LKNGYLSLSD[Ile169Thr]NLLVFDECHL